The following is an entry in ClinVar:

NM_000334.4(SCN4A):c.1553G>A (p.Gly518Glu)

Gene: SCN4A (sodium voltage-gated channel alpha subunit 4; minus strand). Cytogenetic location: 17q23.3.
Variant type: single nucleotide variant.
Coding change: c.1553G>A on transcript NM_000334.4 (MANE Select); coding-DNA position 1553, G replaced by A.
Protein change: p.Gly518Glu; replaces glycine 518 with glutamic acid.
Molecular consequence: missense variant.
Genome position (GRCh38, 1-based): chr17:63,963,725, C>T on the plus strand (G>A on the coding strand, the complement: SCN4A is on the minus strand). VCF-style: chr17-63963725-C-T. GRCh37 (hg19) VCF-style: chr17-62041085-C-T.
Other names: short protein forms G518E.
Identifiers: ClinVar variation 436667 (VCV000436667.12), dbSNP rs778649637, ClinGen allele CA8709815.

ClinVar aggregate classification (germline): Uncertain significance. Review status: criteria provided, multiple submitters, no conflicts (2 of 4 stars). 3 submissions from 3 submitters: Uncertain significance (3). Last evaluated 2022-02-10.

Conditions:
Hypokalemic periodic paralysis, type 1. Also called: Hypokalemic Periodic Paralysis Type 1 (AD); HypoPP. Identifiers: Orphanet 681, MedGen C3714580, MONDO:0042979, OMIM 170400.
Hypokalemic periodic paralysis, type 2 (HOKPP2). Identifiers: Orphanet 681, MedGen C2750061, MONDO:0013234, OMIM 613345.
Hyperkalemic periodic paralysis. Also called: Familial hyperkalemic periodic paralysis; Gamstorp disease. Identifiers: Orphanet 682, MedGen C0238357, MONDO:0008224, OMIM 170500, HP:0007215.
Potassium-aggravated myotonia. Also called: MYOTONIA CONGENITA, ACETAZOLAMIDE-RESPONSIVE; MYOTONIA CONGENITA, ATYPICAL; SODIUM CHANNEL MUSCLE DISEASE; Myotonia congenita, atypical, acetazolamide-responsive. Identifiers: Orphanet 612, Orphanet 99734, Orphanet 99735, Orphanet 99736, MedGen C2931826, MONDO:0018959, OMIM 608390.
Congenital myasthenic syndrome 16. Identifiers: Orphanet 590, MedGen C3280112, MONDO:0013620, OMIM 614198.
Paramyotonia congenita of Von Eulenburg. Also called: Paramyotonia Congenita; Eulenburg disease; Myotonia congenita intermittens; Von Eulenburg paramyotonia congenita; PARALYSIS PERIODICA PARAMYOTONICA. Identifiers: Orphanet 684, MedGen C0221055, MONDO:0008195, OMIM 168300. Disease mechanism: loss of function.

Allele frequency attached by ClinVar (database versions not stated): gnomAD exomes below 0.00001; ExAC 0.00001.

Submissions (3):

Labcorp Genetics (formerly Invitae), Labcorp
Classification: Uncertain significance for Hyperkalemic periodic paralysis. Last evaluated: 2022-02-10. Review status: criteria provided, single submitter. Criteria: Invitae Variant Classification Sherloc (09022015). Collection method: clinical testing. Allele origin: germline.
Comment: In summary, the available evidence is currently insufficient to determine the role of this variant in disease. Therefore, it has been classified as a Variant of Uncertain Significance. Algorithms developed to predict the effect of missense changes on protein structure and function are either unavailable or do not agree on the potential impact of this missense change (SIFT: "Deleterious"; PolyPhen-2: "Benign"; Align-GVGD: "Class C15"). ClinVar contains an entry for this variant (Variation ID: 436667). This variant has not been reported in the literature in individuals affected with SCN4A-related conditions. The frequency data for this variant in the population databases is considered unreliable, as metrics indicate poor data quality at this position in the gnomAD database. This sequence change replaces glycine, which is neutral and non-polar, with glutamic acid, which is acidic and polar, at codon 518 of the SCN4A protein (p.Gly518Glu).

Fulgent Genetics
Classification: Uncertain significance for Paramyotonia congenita of Von Eulenburg; Hypokalemic periodic paralysis, type 1; Hyperkalemic periodic paralysis; Potassium-aggravated myotonia; Hypokalemic periodic paralysis, type 2; Congenital myasthenic syndrome 16. Last evaluated: 2021-12-21. Review status: criteria provided, single submitter. Criteria: ACMG Guidelines, 2015. Collection method: clinical testing. Allele origin: unknown.

Genetic Services Laboratory, University of Chicago
Classification: Uncertain significance. Last evaluated: 2015-11-11. Review status: criteria provided, single submitter. Criteria: ACMG Guidelines, 2015. Collection method: clinical testing. Allele origin: germline. Affected: no.